The following is an entry in ClinVar:

ClinVar aggregate classification (germline): Uncertain significance (1 of 4 stars; one submission).

Conditions:
Idiopathic generalized epilepsy. Also called: EIG; Generalised epilepsy. Identifiers: MedGen C0270850, MONDO:0005579, OMIM 600669.

Allele frequency attached by ClinVar (database versions not stated): gnomAD exomes below 0.00001; ExAC 0.00001.
gnomAD v4.1: 2 of 1,611,840 alleles (0.00012%); highest among the groups gnomAD compares: Non-Finnish European, 0.00017%; no homozygotes.

Submission:

Labcorp Genetics (formerly Invitae), Labcorp
Classification: Uncertain significance for Idiopathic generalized epilepsy. Last evaluated: 2017-10-27. Review status: criteria provided, single submitter. Criteria: Invitae Variant Classification Sherloc (09022015). Collection method: clinical testing. Allele origin: germline.
Comment: In summary, the available evidence is currently insufficient to determine the role of this variant in disease. Therefore, it has been classified as a Variant of Uncertain Significance. Nucleotide substitutions within the consensus splice site are a relatively common cause of aberrant splicing (PMID: 17576681, 9536098). Algorithms developed to predict the effect of sequence changes on RNA splicing suggest that this variant may disrupt the consensus splice site, but this prediction has not been confirmed by published transcriptional studies. This variant has not been reported in the literature in individuals with CACNB4-related disease. This variant is present in population databases (rs768976112, ExAC 0.002%). This sequence change falls in intron 2 of the CACNB4 gene. It does not directly change the encoded amino acid sequence of the CACNB4 protein, but it affects a nucleotide within the consensus splice site of the intron.

Literature cited by the submitters: PubMed 17576681; PubMed 9536098.

NM_000726.5(CACNB4):c.147+3A>G

Gene: CACNB4 (calcium voltage-gated channel auxiliary subunit beta 4; minus strand). Cytogenetic location: 2q23.3.
Variant type: single nucleotide variant.
Coding change: c.147+3A>G on transcript NM_000726.5 (MANE Select); 3 bases into the intron after coding-DNA position 147, A replaced by G.
Molecular consequence: intron variant.
Genome position (GRCh38, 1-based): chr2:152,098,327, T>C on the plus strand (A>G on the coding strand, the complement: CACNB4 is on the minus strand). VCF-style: chr2-152098327-T-C. GRCh37 (hg19) VCF-style: chr2-152954841-T-C.
Other names: c.147+3A>G (NM_001145798.2); c.93+3A>G (NM_001330113.2, NM_001005746.4).
Identifiers: ClinVar variation 529522 (VCV000529522.6), dbSNP rs768976112, ClinGen allele CA1912733.